The following is an entry in ClinVar:

ClinVar aggregate classification (germline): Uncertain significance. Review status: criteria provided, multiple submitters, no conflicts (2 of 4 stars). 5 submissions from 5 submitters: Uncertain significance (3). 2 of the submissions do not count toward it. Last evaluated 2025-10-09.

Conditions:
ATM-related disorder. Also called: ATM-related disorders; ATM-related condition.
Hereditary cancer-predisposing syndrome. Also called: Tumor predisposition; Hereditary Cancer Syndrome; Neoplastic Syndromes, Hereditary; Hereditary neoplastic syndrome. Identifiers: Orphanet 140162, MedGen C0027672, MeSH D009386, MONDO:0015356.
Ataxia-telangiectasia syndrome (AT). Also called: Cerebello-oculocutaneous telangiectasia; Immunodeficiency with ataxia telangiectasia; Ataxia-telangiectasia, complementation group D; AT, COMPLEMENTATION GROUP C; Ataxia-telangiectasia, complementation group E; LOUIS-BAR SYNDROME. Identifiers: Orphanet 100, MedGen C0004135, MONDO:0008840, OMIM 208900.

Submissions (5):

Labcorp Genetics (formerly Invitae), Labcorp
Classification: Uncertain significance for Ataxia-telangiectasia syndrome. Last evaluated: 2025-10-09. Review status: criteria provided, single submitter. Criteria: Invitae Variant Classification Sherloc (09022015). Collection method: clinical testing. Allele origin: germline.
Comment: This sequence change replaces glycine, which is neutral and non-polar, with valine, which is neutral and non-polar, at codon 1065 of the ATM protein (p.Gly1065Val). This variant is not present in population databases (gnomAD no frequency). This variant has not been reported in the literature in individuals affected with ATM-related conditions. ClinVar contains an entry for this variant (Variation ID: 453451). Invitae Evidence Modeling of protein sequence and biophysical properties (such as structural, functional, and spatial information, amino acid conservation, physicochemical variation, residue mobility, and thermodynamic stability) indicates that this missense variant is not expected to disrupt ATM protein function with a negative predictive value of 95%. In summary, the available evidence is currently insufficient to determine the role of this variant in disease. Therefore, it has been classified as a Variant of Uncertain Significance.

Ambry Genetics
Classification: Uncertain significance for Hereditary cancer-predisposing syndrome. Last evaluated: 2024-05-15. Review status: criteria provided, single submitter. Criteria: Ambry Variant Classification Scheme 2023. Collection method: clinical testing. Allele origin: germline.
Comment: The p.G1065V variant (also known as c.3194G>T), located in coding exon 21 of the ATM gene, results from a G to T substitution at nucleotide position 3194. The glycine at codon 1065 is replaced by valine, an amino acid with dissimilar properties. This amino acid position is not well conserved in available vertebrate species. In addition, this alteration is predicted to be tolerated by in silico analysis. Since supporting evidence is limited at this time, the clinical significance of this alteration remains unclear.

Color Diagnostics, LLC DBA Color Health
Classification: Uncertain significance for Hereditary cancer-predisposing syndrome. Last evaluated: 2021-07-19. Review status: criteria provided, single submitter. Criteria: ACMG Guidelines, 2015. Collection method: clinical testing. Allele origin: germline.
Comment: This missense variant replaces glycine with valine at codon 1065 of the ATM protein. Computational prediction suggests that this variant may not impact protein structure and function (internally defined REVEL score threshold <= 0.5, PMID: 27666373). Splice site prediction tools suggest that this variant may create a new splice donor site, although this prediction has not been confirmed in published RNA studies. To our knowledge, functional studies have not been reported for this variant. This variant has not been reported in individuals affected with hereditary cancer in the literature. This variant has not been identified in the general population by the Genome Aggregation Database (gnomAD). The available evidence is insufficient to determine the role of this variant in disease conclusively. Therefore, this variant is classified as a Variant of Uncertain Significance.

PreventionGenetics, part of Exact Sciences
Classification: Uncertain significance for ATM-related condition. Last evaluated: 2024-03-29. Review status: no assertion criteria provided. Collection method: clinical testing. Allele origin: germline. Not counted in ClinVar's aggregate classification.
Comment: The ATM c.3194G>T variant is predicted to result in the amino acid substitution p.Gly1065Val. To our knowledge, this variant has not been reported in the literature or in a large population database, indicating this variant is rare. This variant is interpreted as a variant of uncertain significance in ClinVar. At this time, the clinical significance of this variant is uncertain due to the absence of conclusive functional and genetic evidence.

Natera, Inc.
Classification: Uncertain significance for Ataxia-telangiectasia. Last evaluated: 2021-07-28. Review status: no assertion criteria provided. Collection method: clinical testing. Allele origin: germline. Not counted in ClinVar's aggregate classification.

NM_000051.4(ATM):c.3194G>T (p.Gly1065Val)

Gene: ATM (ATM serine/threonine kinase; plus strand). Cytogenetic location: 11q22.3.
Variant type: single nucleotide variant.
Coding change: c.3194G>T on transcript NM_000051.4 (MANE Select); coding-DNA position 3194, G replaced by T.
Protein change: p.Gly1065Val; replaces glycine 1065 with valine.
Molecular consequence: missense variant.
Genome position (GRCh38, 1-based): chr11:108,272,762, G>T. VCF-style: chr11-108272762-G-T. GRCh37 (hg19) VCF-style: chr11-108143489-G-T.
Other names: c.3194G>T, p.Gly1065Val (NM_001351834.2); short protein forms G1065V.
Identifiers: ClinVar variation 453451 (VCV000453451.19), dbSNP rs762810180, ClinGen allele CA382515714.
Genomic context (GRCh38, chr11:108,272,762, plus strand): 5'-CCACAGTTCTTTTCCCGTAGGCTGATCCTTATTCAAAATGGGCCATTCTTAATGTAATGG[G>T]AAAAGACTTTCCTGTAAATGAAGTATTTACACAATTTCTTGCTGACAATCATCACCAAGT-3'
Protein context (NP_000042.3, residues 1055-1075): YSKWAILNVM[Gly1065Val]KDFPVNEVFT